The following is an entry in ClinVar:

NM_001290043.2(TAP2):c.515A>T (p.Tyr172Phe)

Genes: TAP2 (transporter 2, ATP binding cassette subfamily B member; minus strand), LOC107648851 (meiotic recombination hotspot TAP2; plus strand). Cytogenetic location: 6p21.32.
Variant type: single nucleotide variant.
Coding change: c.515A>T on transcript NM_001290043.2 (MANE Select); coding-DNA position 515, A replaced by T.
Protein change: p.Tyr172Phe; replaces tyrosine 172 with phenylalanine.
Molecular consequence: missense variant.
Genome position (GRCh38, 1-based): chr6:32,837,630, T>A on the plus strand (A>T on the coding strand, the complement: TAP2 is on the minus strand). VCF-style: chr6-32837630-T-A. GRCh37 (hg19) VCF-style: chr6-32805407-T-A.
Other names: c.515A>T, p.Tyr172Phe (NM_000544.3, NM_018833.3); short protein forms Y172F.
Identifiers: ClinVar variation 1023763 (VCV001023763.8), dbSNP rs777069495, ClinGen allele CA3746135.

ClinVar aggregate classification (germline): Uncertain significance (1 of 4 stars; one submission).

Conditions:
MHC class I deficiency. Identifiers: Orphanet 34592, MedGen C6024714, MONDO:0011476.

Allele frequency attached by ClinVar (database versions not stated): ExAC 0.00003; gnomAD exomes 0.00006 and 0.00003.
gnomAD v4.1: 46 of 1,613,930 alleles (0.0029%); highest among the groups gnomAD compares: Non-Finnish European, 0.00085%; no homozygotes.

Submission:

Labcorp Genetics (formerly Invitae), Labcorp
Classification: Uncertain significance for MHC class I deficiency 1. Last evaluated: 2026-01-02. Review status: criteria provided, single submitter. Criteria: Invitae Variant Classification Sherloc (09022015). Collection method: clinical testing. Allele origin: germline.
Comment: This sequence change replaces tyrosine, which is neutral and polar, with phenylalanine, which is neutral and non-polar, at codon 172 of the TAP2 protein (p.Tyr172Phe). This variant is present in population databases (rs777069495, gnomAD 0.1%). This variant has not been reported in the literature in individuals affected with TAP2-related conditions. ClinVar contains an entry for this variant (Variation ID: 1023763). Experimental studies and prediction algorithms are not available or were not evaluated, and the functional significance of this variant is currently unknown. In summary, the available evidence is currently insufficient to determine the role of this variant in disease. Therefore, it has been classified as a Variant of Uncertain Significance.